The following is an entry in ClinVar:

ClinVar aggregate classification (germline): Conflicting classifications of pathogenicity. Review status: criteria provided, conflicting classifications (1 of 4 stars). 5 submissions from 5 submitters: Likely pathogenic (1); Uncertain significance (4). Last evaluated 2024-08-12.

Conditions:
Ehlers-Danlos syndrome, kyphoscoliotic type 1 (EDSKSCL1). Also called: Ehlers-Danlos syndrome, hydroxylysine-deficient; PLOD1-Related Kyphoscoliotic Ehlers-Danlos Syndrome; EHLERS-DANLOS SYNDROME, TYPE VIA; EHLERS-DANLOS SYNDROME, OCULAR-SCOLIOTIC TYPE. Identifiers: Orphanet 1900, MedGen C0268342, MONDO:0016002, OMIM 225400. Disease mechanism: loss of function.
Familial thoracic aortic aneurysm and aortic dissection (TAAD). Also called: Thoracic aortic aneurysms and dissections. Identifiers: Orphanet 91387, MedGen C4707243, MONDO:0019625.

Allele frequency attached by ClinVar (database versions not stated): gnomAD exomes 0.00001 and 0.00005; gnomAD 0.00002; TOPMed 0.00002.
gnomAD v4.1: 80 of 1,613,552 alleles (0.005%); highest among the groups gnomAD compares: Non-Finnish European, 0.0064%; no homozygotes.

Submissions (5):

Ambry Genetics
Classification: Uncertain significance for Familial thoracic aortic aneurysm and aortic dissection. Last evaluated: 2024-08-12. Review status: criteria provided, single submitter. Criteria: Ambry Variant Classification Scheme 2023. Collection method: clinical testing. Allele origin: germline.
Comment: The p.H700R variant (also known as c.2099A>G), located in coding exon 19 of the PLOD1 gene, results from an A to G substitution at nucleotide position 2099. The histidine at codon 700 is replaced by arginine, an amino acid with highly similar properties. This amino acid position is highly conserved in available vertebrate species. In addition, this alteration is predicted to be deleterious by in silico analysis. Since supporting evidence is limited at this time, the clinical significance of this alteration remains unclear.

CeGaT Center for Human Genetics Tuebingen
Classification: Likely pathogenic. Last evaluated: 2023-12-01. Review status: criteria provided, single submitter. Criteria: CeGaT Center For Human Genetics Tuebingen Variant Classification Criteria Version 2. Collection method: clinical testing. Allele origin: germline. Affected: yes. Observed: 1 variant allele.
Comment: PLOD1: PM1, PM2, PM3:Supporting, PP3

Blueprint Genetics
Classification: Uncertain significance. Last evaluated: 2023-09-15. Review status: criteria provided, single submitter. Criteria: ACMG Guidelines, 2015. Collection method: clinical testing. Allele origin: germline.

Labcorp Genetics (formerly Invitae), Labcorp
Classification: Uncertain significance for Ehlers-Danlos syndrome, kyphoscoliotic type 1. Last evaluated: 2022-06-06. Review status: criteria provided, single submitter. Criteria: Invitae Variant Classification Sherloc (09022015). Collection method: clinical testing. Allele origin: germline.
Comment: This sequence change replaces histidine, which is basic and polar, with arginine, which is basic and polar, at codon 700 of the PLOD1 protein (p.His700Arg). This variant is present in population databases (rs773756799, gnomAD 0.002%). This variant has not been reported in the literature in individuals affected with PLOD1-related conditions. ClinVar contains an entry for this variant (Variation ID: 647407). Algorithms developed to predict the effect of missense changes on protein structure and function are either unavailable or do not agree on the potential impact of this missense change (SIFT: "Tolerated"; PolyPhen-2: "Probably Damaging"; Align-GVGD: "Class C0"). In summary, the available evidence is currently insufficient to determine the role of this variant in disease. Therefore, it has been classified as a Variant of Uncertain Significance.

ARUP Laboratories, Molecular Genetics and Genomics, ARUP Laboratories
Classification: Uncertain significance for Ehlers-Danlos syndrome, kyphoscoliotic type 1. Last evaluated: 2019-04-13. Review status: criteria provided, single submitter. Criteria: ARUP Molecular Germline Variant Investigation Process. Collection method: clinical testing. Allele origin: germline.
Comment: The PLOD1 c.2099A>G; p.His700Arg variant (rs773756799), to our knowledge, has not been reported in the medical literature or gene specific databases. This variant is found in the general population with an allele frequency in non-Finnish Europeans of 0.0018% (2/113,558 alleles) in the Genome Aggregation Database. The histidine at codon 700 is highly conserved (Alamut v.2.11) and computational analyses (SIFT, PolyPhen-2) predict that this variant is deleterious. However, based on the available information, the clinical significance of this variant is uncertain.

NM_000302.4(PLOD1):c.2099A>G (p.His700Arg)

Gene: PLOD1 (procollagen-lysine,2-oxoglutarate 5-dioxygenase 1; plus strand). Cytogenetic location: 1p36.22.
Variant type: single nucleotide variant.
Coding change: c.2099A>G on transcript NM_000302.4 (MANE Select); coding-DNA position 2099, A replaced by G.
Protein change: p.His700Arg; replaces histidine 700 with arginine.
Molecular consequence: missense variant.
Genome position (GRCh38, 1-based): chr1:11,974,723, A>G. VCF-style: chr1-11974723-A-G. GRCh37 (hg19) VCF-style: chr1-12034780-A-G.
Other names: c.2240A>G, p.His747Arg (NM_001316320.2); short protein forms H747R, H700R.
Identifiers: ClinVar variation 647407 (VCV000647407.38), dbSNP rs773756799, ClinGen allele CA18022200.
Genomic context (GRCh38, chr1:11,974,723, plus strand): 5'-GTCGGTTCCTGCGCTACAACTGTTCCATCCGAGCCCCAAGGAAGGGCTGGACCCTCATGC[A>G]CCCTGGACGACTCACGCATTACCATGAGGGGCTCCCCACCACCAGGGGCACCCGCTACAT-3'
Protein context (NP_000293.2, residues 690-710): RAPRKGWTLM[His700Arg]PGRLTHYHEG